The following is an entry in ClinVar:

ClinVar aggregate classification (germline): Likely benign. Review status: criteria provided, multiple submitters, no conflicts (2 of 4 stars). 5 submissions from 5 submitters: Likely benign (5). Last evaluated 2025-11-01.

Conditions:
Hypercholesterolemia, familial, 4 (FHCL4). Also called: HYPERCHOLESTEROLEMIA, AUTOSOMAL RECESSIVE, 1; HYPERCHOLESTEROLEMIA, AUTOSOMAL RECESSIVE, 2. Identifiers: Orphanet 391665, MedGen C1863512, MONDO:0011374, OMIM 603813.
Cardiovascular phenotype. Identifiers: MedGen CN230736.

Allele frequency attached by ClinVar (database versions not stated): gnomAD exomes 0.00004 and 0.00005; ExAC 0.00006; gnomAD 0.00011; ESP Exome Variant Server 0.00015; TOPMed 0.00015.
gnomAD v4.1: 98 of 1,613,310 alleles (0.0061%); highest among the groups gnomAD compares: African/African-American, 0.037%; no homozygotes.

Submissions (5):

Labcorp Genetics (formerly Invitae), Labcorp
Classification: Likely benign for Hypercholesterolemia, familial, 4. Last evaluated: 2025-11-01. Review status: criteria provided, single submitter. Criteria: Invitae Variant Classification Sherloc (09022015). Collection method: clinical testing. Allele origin: germline.

Women's Health and Genetics/Laboratory Corporation of America, LabCorp
Classification: Likely benign. Last evaluated: 2024-09-14. Review status: criteria provided, single submitter. Criteria: LabCorp Variant Classification Summary - May 2015. Collection method: clinical testing. Allele origin: germline.

GENinCode PLC
Classification: Likely benign for Hypercholesterolemia, familial, 4. Last evaluated: 2024-07-30. Review status: criteria provided, single submitter. Criteria: ACMG Guidelines, 2015. Collection method: clinical testing. Allele origin: germline.
Comment: This is a synonymous (silent) variant that is not predicted by SpliceAI to impact splicing. In addition, it occurs at a nucleotide that is not conserved. Therefore this variant has been classified as Likely Benign (BP4, BP7).

Genome-Nilou Lab
Classification: Likely benign for Hypercholesterolemia, familial, 4. Last evaluated: 2023-04-11. Review status: criteria provided, single submitter. Criteria: ACMG Guidelines, 2015. Collection method: clinical testing. Allele origin: germline. Affected: no.

Ambry Genetics
Classification: Likely benign for Cardiovascular phenotype. Last evaluated: 2020-02-02. Review status: criteria provided, single submitter. Criteria: Ambry Variant Classification Scheme 2023. Collection method: clinical testing. Allele origin: germline.

NM_015627.3(LDLRAP1):c.849C>T (p.Tyr283=)

Gene: LDLRAP1 (low density lipoprotein receptor adaptor protein 1; plus strand). Cytogenetic location: 1p36.11.
Variant type: single nucleotide variant.
Coding change: c.849C>T on transcript NM_015627.3 (MANE Select); coding-DNA position 849, C replaced by T.
Protein change: p.Tyr283=; no amino-acid change (tyrosine 283 retained).
Molecular consequence: synonymous variant.
Genome position (GRCh38, 1-based): chr1:25,566,914, C>T. VCF-style: chr1-25566914-C-T. GRCh37 (hg19) VCF-style: chr1-25893405-C-T.
Identifiers: ClinVar variation 536201 (VCV000536201.16), dbSNP rs147242385, ClinGen allele CA695770.
Genomic context (GRCh38, chr1:25,566,914, plus strand): 5'-CCAGTCTCGGACAAACCCTCAGGTCCTGGACACTGGCCTGACAGCCCAGGACATGCATTA[C>T]GCCCAGTGCCTCTCGCCTGTCGACTGGGACAAGCCTGACAGCAGCGGCACAGAGCAGGAT-3'
Protein context (NP_056442.2, residues 273-293): DTGLTAQDMH[Tyr283=]AQCLSPVDWD